The following is an entry in ClinVar:

ClinVar aggregate classification (germline): Conflicting classifications of pathogenicity. Review status: criteria provided, conflicting classifications (1 of 4 stars). 4 submissions from 4 submitters: Pathogenic (1); Likely pathogenic (2); Uncertain significance (1). Last evaluated 2026-04-14.

Conditions:
Progressive familial intrahepatic cholestasis (PFIC). Also called: Progressive family intrahepatic cholestasis; Progressive intrahepatic cholestasis. Identifiers: Orphanet 172, MedGen C0268312, MONDO:0015762.
Benign recurrent intrahepatic cholestasis type 1. Also called: SUMMERSKILL SYNDROME; Mild-to-Moderate ATP8B1 Deficiency (Benign Recurrent Intrahepatic Cholestasis 1 [BRIC1]). Identifiers: Orphanet 65682, Orphanet 99960, MedGen C4551899, MONDO:0009469, OMIM 243300.
Familial intrahepatic cholestasis. Identifiers: Orphanet 284385, MedGen CN296401, MONDO:0017290.
Progressive familial intrahepatic cholestasis type 1. Also called: BYLER DISEASE; Severe ATP8B1 Deficiency (Progressive Familial Intrahepatic Cholestasis Type 1 [PFIC1]); Byler's disease. Identifiers: Orphanet 79306, MedGen C4551898, MONDO:0008892, OMIM 211600.
Cholestasis, intrahepatic, of pregnancy, 1 (ICP1). Also called: CHOLESTASIS, PREGNANCY-RELATED, 1. Identifiers: Orphanet 69665, MedGen C3549845, MONDO:0007829, OMIM 147480.

Allele frequency attached by ClinVar (database versions not stated): ExAC 0.00002; gnomAD exomes 0.00002.
gnomAD v4.1: 30 of 1,613,880 alleles (0.0019%); highest among the groups gnomAD compares: Non-Finnish European, 0.0023%; no homozygotes.

Submissions (4):

Genomenon, Inc
Classification: Uncertain significance for Familial intrahepatic cholestasis. Last evaluated: 2026-04-14. Review status: criteria provided, single submitter. Criteria: Genomenon Sequence Variant Interpretation Standards - Updated. Collection method: curation. Allele origin: germline. Affected: yes.
Comment: ATP8B1 p.Phe853Ser (c.2558T>C) is a missense variant that changes the amino acid at residue 853 from Phenylalanine to Serine. This variant has been observed in at least one proband with features of ATP8B1-deficiency (PMID:33666275;15239083;34016879). It is absent or not present at a significant frequency in gnomAD. In silico models predict that this variant is possibly or probably damaging. In conclusion, we classify ATP8B1 p.Phe853Ser (c.2558T>C) as a variant of uncertain significance.

Fulgent Genetics
Classification: Likely pathogenic for Cholestasis, intrahepatic, of pregnancy, 1; Progressive familial intrahepatic cholestasis type 1; Benign recurrent intrahepatic cholestasis type 1. Last evaluated: 2024-04-16. Review status: criteria provided, single submitter. Criteria: ACMG Guidelines, 2015. Collection method: clinical testing. Allele origin: germline.

Women's Health and Genetics/Laboratory Corporation of America, LabCorp
Classification: Pathogenic for Progressive familial intrahepatic cholestasis. Last evaluated: 2024-04-01. Review status: criteria provided, single submitter. Criteria: LabCorp Variant Classification Summary - May 2015. Collection method: clinical testing. Allele origin: germline.
Comment: Variant summary: ATP8B1 c.2558T>C (p.Phe853Ser) results in a non-conservative amino acid change located in the P-type ATPase, haloacid dehalogenase domain (IPR044492) of the encoded protein sequence. Five of five in-silico tools predict a damaging effect of the variant on protein function. The variant allele was found at a frequency of 1.2e-05 in 251440 control chromosomes (gnomAD). c.2558T>C has been reported in the literature in several individuals affected with Familial Intrahepatic Cholestasis (Klomp_2004, Hertel_2021, van Wessel_2021). These data indicate that the variant is very likely to be associated with disease. The following publications have been ascertained in the context of this evaluation (PMID: 15239083, 34016879, 33666275). ClinVar contains an entry for this variant (Variation ID: 2679840). Based on the evidence outlined above, the variant was classified as pathogenic.

Baylor Genetics
Classification: Likely pathogenic for Benign recurrent intrahepatic cholestasis type 1. Last evaluated: 2023-11-14. Review status: criteria provided, single submitter. Criteria: ACMG Guidelines, 2015. Collection method: clinical testing. Allele origin: unknown.

Literature cited by the submitters: PubMed 33666275 (cited by Genomenon, Inc and Women's Health and Genetics/Laboratory Corporation of America, LabCorp); PubMed 15239083 (cited by Genomenon, Inc and Women's Health and Genetics/Laboratory Corporation of America, LabCorp); PubMed 34016879 (cited by Genomenon, Inc and Women's Health and Genetics/Laboratory Corporation of America, LabCorp).

NM_001374385.1(ATP8B1):c.2558T>C (p.Phe853Ser)

Genes: ATP8B1 (ATPase phospholipid transporting 8B1; minus strand), ATP8B1-AS1 (ATP8B1 antisense RNA 1; plus strand). Cytogenetic location: 18q21.31.
Variant type: single nucleotide variant.
Coding change: c.2558T>C on transcript NM_001374385.1 (MANE Select); coding-DNA position 2558, T replaced by C.
Protein change: p.Phe853Ser; replaces phenylalanine 853 with serine.
Molecular consequence: missense variant.
Genome position (GRCh38, 1-based): chr18:57,661,323, A>G on the plus strand (T>C on the coding strand, the complement: ATP8B1 is on the minus strand). VCF-style: chr18-57661323-A-G. GRCh37 (hg19) VCF-style: chr18-55328555-A-G.
Other names: c.2408T>C, p.Phe803Ser (NM_001374386.1); c.2558T>C, p.Phe853Ser (NM_005603.6); short protein forms F803S, F853S.
Identifiers: ClinVar variation 2679840 (VCV002679840.5), dbSNP rs773092889, ClinGen allele CA8974225.